The following is an entry in ClinVar:

NM_018979.4(WNK1):c.4106C>T (p.Ser1369Leu)

Gene: WNK1 (WNK lysine deficient protein kinase 1; plus strand). Cytogenetic location: 12p13.33.
Variant type: single nucleotide variant.
Coding change: c.4106C>T on transcript NM_018979.4 (MANE Select); coding-DNA position 4106, C replaced by T.
Protein change: p.Ser1369Leu; replaces serine 1369 with leucine.
Molecular consequence: missense variant.
Genome position (GRCh38, 1-based): chr12:884,910, C>T. VCF-style: chr12-884910-C-T. GRCh37 (hg19) VCF-style: chr12-994076-C-T.
Other names: c.4886C>T, p.Ser1629Leu (NM_001184985.2); c.3365C>T, p.Ser1122Leu (NM_014823.3); c.4862C>T, p.Ser1621Leu (NM_213655.5); short protein forms S1629L, S1122L, S1369L, S1621L.
Identifiers: ClinVar variation 2195052 (VCV002195052.4), dbSNP rs1466139017, ClinGen allele CA383330576.
Genomic context (GRCh38, chr12:884,910, plus strand): 5'-CAGCAGCAGCCACAGCACCAGTCCCTGCAACAAGCAGCCCTCCTAATGACATTTCCACAT[C>T]AGTAATTCAGTCTGAGGTTACAGTGCCCACTGAAGAGGGGATTGCTGGAGTTGCCACCAG-3'
Protein context (NP_061852.3, residues 1359-1379): TSSPPNDIST[Ser1369Leu]VIQSEVTVPT

ClinVar aggregate classification (germline): Uncertain significance (1 of 4 stars; one submission).

Conditions:
Neuropathy, hereditary sensory and autonomic, type 2A (HSAN2A). Also called: ACROOSTEOLYSIS, GIACCAI TYPE; ACROOSTEOLYSIS, NEUROGENIC; MORVAN DISEASE; NEUROPATHY, CONGENITAL SENSORY; NEUROPATHY, HEREDITARY SENSORY RADICULAR, AUTOSOMAL RECESSIVE; NEUROPATHY, HEREDITARY SENSORY, TYPE IIA. Identifiers: Orphanet 970, MedGen C2752089, MONDO:0024309, OMIM 201300.
Pseudohypoaldosteronism type 2C (PHA2C). Also called: Pseudohypoaldosteronism Type IIC. Identifiers: Orphanet 757, Orphanet 88940, MedGen C1840391, MONDO:0013778, OMIM 614492.

Allele frequency attached by ClinVar (database versions not stated): gnomAD exomes below 0.00001.
gnomAD v4.1: 2 of 1,614,166 alleles (0.00012%); highest among the groups gnomAD compares: Non-Finnish European, 0.00017%; no homozygotes.

Submission:

Labcorp Genetics (formerly Invitae), Labcorp
Classification: Uncertain significance for Neuropathy, hereditary sensory and autonomic, type 2A; Pseudohypoaldosteronism type 2C. Last evaluated: 2022-10-20. Review status: criteria provided, single submitter. Criteria: Invitae Variant Classification Sherloc (09022015). Collection method: clinical testing. Allele origin: germline.
Comment: In summary, the available evidence is currently insufficient to determine the role of this variant in disease. Therefore, it has been classified as a Variant of Uncertain Significance. Advanced modeling of protein sequence and biophysical properties (such as structural, functional, and spatial information, amino acid conservation, physicochemical variation, residue mobility, and thermodynamic stability) performed at Invitae indicates that this missense variant is not expected to disrupt WNK1 protein function. This variant has not been reported in the literature in individuals affected with WNK1-related conditions. This variant is present in population databases (no rsID available, gnomAD 0.0009%). This sequence change replaces serine, which is neutral and polar, with leucine, which is neutral and non-polar, at codon 1621 of the WNK1 protein (p.Ser1621Leu).